The following is an entry in ClinVar:

NM_001048174.2(MUTYH):c.1432A>C (p.Met478Leu)

Gene: MUTYH (mutY DNA glycosylase; minus strand). Cytogenetic location: 1p34.1.
Variant type: single nucleotide variant.
Coding change: c.1432A>C on transcript NM_001048174.2 (MANE Select); coding-DNA position 1432, A replaced by C.
Protein change: p.Met478Leu; replaces methionine 478 with leucine.
Molecular consequence: missense variant. On other transcripts: non-coding transcript variant (7).
Genome position (GRCh38, 1-based): chr1:45,330,518, T>G on the plus strand (A>C on the coding strand, the complement: MUTYH is on the minus strand). VCF-style: chr1-45330518-T-G. GRCh37 (hg19) VCF-style: chr1-45796190-T-G.
Other names: c.1432A>C, p.Met478Leu (NM_001048171.2, NM_001048173.2, NM_001293195.2 and 6 more transcripts); c.1435A>C, p.Met479Leu (NM_001048172.2, NM_001407086.1, NM_001407071.1 and 1 more transcripts); c.1516A>C, p.Met506Leu (NM_001128425.2); c.1477A>C, p.Met493Leu (NM_001293190.2); c.1465A>C, p.Met489Leu (NM_001293191.2, NM_001407069.1, NM_001407077.1); c.1156A>C, p.Met386Leu (NM_001293192.2, NM_001293196.2, NM_001407091.1); c.1087A>C, p.Met363Leu (NM_001350650.2, NM_001407082.1, NM_001350651.2); c.1390A>C, p.Met464Leu (NM_001407080.1); and 5 more; short protein forms M363L, M386L, M450L, M464L, M465L, M478L, M479L, M485L.
Identifiers: ClinVar variation 3071967 (VCV003071967.3), dbSNP rs1570344605, ClinGen allele CA340132304.

ClinVar aggregate classification (germline): Uncertain significance. Review status: criteria provided, multiple submitters, no conflicts (2 of 4 stars). 2 submissions from 2 submitters: Uncertain significance (2). Last evaluated 2025-08-27.

Conditions:
Hereditary cancer-predisposing syndrome. Also called: Tumor predisposition; Hereditary Cancer Syndrome; Hereditary neoplastic syndrome; Neoplastic Syndromes, Hereditary. Identifiers: Orphanet 140162, MedGen C0027672, MeSH D009386, MONDO:0015356.
Familial adenomatous polyposis 2. Also called: COLORECTAL ADENOMATOUS POLYPOSIS, AUTOSOMAL RECESSIVE; ADENOMAS, MULTIPLE COLORECTAL, AUTOSOMAL RECESSIVE; MYH-associated polyposis; MUTYH-associated polyposis; MUTYH-related attenuated familial adenomatous polyposis; MUTYH Polyposis. Identifiers: Orphanet 220460, Orphanet 247798, MedGen C3272841, MONDO:0012041, OMIM 608456.

Submissions (2):

Ambry Genetics
Classification: Uncertain significance for Hereditary cancer-predisposing syndrome. Last evaluated: 2025-08-27. Review status: criteria provided, single submitter. Criteria: Ambry Variant Classification Scheme 2023. Collection method: clinical testing. Allele origin: germline.
Comment: The p.M506L variant (also known as c.1516A>C), located in coding exon 15 of the MUTYH gene, results from an A to C substitution at nucleotide position 1516. The methionine at codon 506 is replaced by leucine, an amino acid with highly similar properties. This amino acid position is conserved. In addition, this alteration is predicted to be tolerated by in silico analysis. Based on the available evidence, the clinical significance of this variant remains unclear.

All of Us Research Program, National Institutes of Health
Classification: Uncertain significance for Familial adenomatous polyposis 2. Last evaluated: 2024-07-20. Review status: criteria provided, single submitter. Criteria: ACMG Guidelines, 2015. Collection method: clinical testing. Allele origin: germline. Inheritance: Autosomal recessive inheritance. Observed: 2 variant alleles, 2 heterozygotes.
Comment: This missense variant replaces methionine with leucine at codon 506 of the MUTYH protein. Computational prediction suggests that this variant may not impact protein structure and function (internally defined REVEL score threshold <= 0.5, PMID: 27666373). To our knowledge, functional studies have not been reported for this variant. This variant has not been reported in individuals affected with hereditary cancer in the literature. This variant has not been identified in the general population by the Genome Aggregation Database (gnomAD). The available evidence is insufficient to determine the role of this variant in disease conclusively. Therefore, this variant is classified as a Variant of Uncertain Significance.

This study involves interpretation of variants in research participants for the purpose of population health screening. Participant phenotype was not available at the time of variant classification. Additional details can be found in publication PMID: 35346344, PMCID: PMC8962531